The following is an entry in ClinVar:

ClinVar aggregate classification (germline): Uncertain significance (1 of 4 stars; one submission).

Allele frequency attached by ClinVar (database versions not stated): gnomAD 0.00002; TOPMed 0.00006; ExAC 0.00014.
gnomAD v4.1: 45 of 1,602,782 alleles (0.0028%); highest among the groups gnomAD compares: Admixed American, 0.074%; no homozygotes.

Submission:

Labcorp Genetics (formerly Invitae), Labcorp
Classification: Uncertain significance. Last evaluated: 2026-01-03. Review status: criteria provided, single submitter. Criteria: Invitae Variant Classification Sherloc (09022015). Collection method: clinical testing. Allele origin: germline.
Comment: This sequence change replaces lysine, which is basic and polar, with arginine, which is basic and polar, at codon 166 of the PALM protein (p.Lys166Arg). This variant is present in population databases (rs767889561, gnomAD 0.1%), and has an allele count higher than expected for a pathogenic variant. This variant has not been reported in the literature in individuals affected with PALM-related conditions. ClinVar contains an entry for this variant (Variation ID: 2045765). An algorithm developed to predict the effect of missense changes on protein structure and function (PolyPhen-2) suggests that this variant is likely to be tolerated. In summary, the available evidence is currently insufficient to determine the role of this variant in disease. Therefore, it has been classified as a Variant of Uncertain Significance.

NM_002579.3(PALM):c.497A>G (p.Lys166Arg)

Gene: PALM (paralemmin; plus strand). Cytogenetic location: 19p13.3.
Variant type: single nucleotide variant.
Coding change: c.497A>G on transcript NM_002579.3 (MANE Select); coding-DNA position 497, A replaced by G.
Protein change: p.Lys166Arg; replaces lysine 166 with arginine.
Molecular consequence: missense variant.
Genome position (GRCh38, 1-based): chr19:736,073, A>G. VCF-style: chr19-736073-A-G. GRCh37 (hg19) VCF-style: chr19-736073-A-G.
Other names: c.497A>G, p.Lys166Arg (NM_001040134.2); short protein forms K166R.
Identifiers: ClinVar variation 2045765 (VCV002045765.4), dbSNP rs767889561, ClinGen allele CA9022653.